The following is an entry in ClinVar:

NM_004281.4(BAG3):c.310G>C (p.Glu104Gln)

Gene: BAG3 (BAG cochaperone 3; plus strand). Cytogenetic location: 10q26.11.
Variant type: single nucleotide variant.
Coding change: c.310G>C on transcript NM_004281.4 (MANE Select); coding-DNA position 310, G replaced by C.
Protein change: p.Glu104Gln; replaces glutamic acid 104 with glutamine.
Molecular consequence: missense variant.
Genome position (GRCh38, 1-based): chr10:119,669,980, G>C. VCF-style: chr10-119669980-G-C. GRCh37 (hg19) VCF-style: chr10-121429492-G-C.
Other names: short protein forms E104Q.
Identifiers: ClinVar variation 2098706 (VCV002098706.4), dbSNP rs2494009315, ClinGen allele CA378294838.

ClinVar aggregate classification (germline): Uncertain significance (1 of 4 stars; one submission).

Conditions:
Myofibrillar myopathy 6. Identifiers: Orphanet 199340, MedGen C2751831, MONDO:0013061, OMIM 612954.
Dilated cardiomyopathy 1HH (CMD1HH). Identifiers: Orphanet 154, MedGen C3151293, MONDO:0013479, OMIM 613881.

Submission:

Labcorp Genetics (formerly Invitae), Labcorp
Classification: Uncertain significance for Dilated cardiomyopathy 1HH; Myofibrillar myopathy 6. Last evaluated: 2022-02-18. Review status: criteria provided, single submitter. Criteria: Invitae Variant Classification Sherloc (09022015). Collection method: clinical testing. Allele origin: germline.
Comment: In summary, the available evidence is currently insufficient to determine the role of this variant in disease. Therefore, it has been classified as a Variant of Uncertain Significance. Algorithms developed to predict the effect of missense changes on protein structure and function output the following: SIFT: "Deleterious"; PolyPhen-2: "Probably Damaging"; Align-GVGD: "Class C0". The glutamine amino acid residue is found in multiple mammalian species, which suggests that this missense change does not adversely affect protein function. This variant has not been reported in the literature in individuals affected with BAG3-related conditions. This variant is not present in population databases (gnomAD no frequency). This sequence change replaces glutamic acid, which is acidic and polar, with glutamine, which is neutral and polar, at codon 104 of the BAG3 protein (p.Glu104Gln).